The following is an entry in ClinVar:

NM_000214.3(JAG1):c.3347G>A (p.Arg1116Gln)

Gene: JAG1 (jagged canonical Notch ligand 1; minus strand). Cytogenetic location: 20p12.2.
Variant type: single nucleotide variant.
Coding change: c.3347G>A on transcript NM_000214.3 (MANE Select); coding-DNA position 3347, G replaced by A.
Protein change: p.Arg1116Gln; replaces arginine 1116 with glutamine.
Molecular consequence: missense variant.
Genome position (GRCh38, 1-based): chr20:10,639,808, C>T on the plus strand (G>A on the coding strand, the complement: JAG1 is on the minus strand). VCF-style: chr20-10639808-C-T. GRCh37 (hg19) VCF-style: chr20-10620456-C-T.
Other names: c.3347G>A, p.Arg1116Gln (LRG_1191t1); short protein forms R1116Q.
Identifiers: ClinVar variation 501666 (VCV000501666.23), dbSNP rs908755268, ClinGen allele CA311367451.

ClinVar aggregate classification (germline): Conflicting classifications of pathogenicity. Review status: criteria provided, conflicting classifications (1 of 4 stars). 5 submissions from 5 submitters: Uncertain significance (4); Likely benign (1). Last evaluated 2026-04-13.

Conditions:
JAG1-related disorder. Also called: JAG1-related condition; JAG1-related disorders.
Cardiovascular phenotype. Identifiers: MedGen CN230736.
Alagille syndrome due to a JAG1 point mutation. Also called: HEPATIC DUCTULAR HYPOPLASIA, SYNDROMATIC; Alagille Syndrome 1; JAG1-Related Alagille Syndrome. Identifiers: Orphanet 261619, Orphanet 52, MedGen C1956125, MONDO:0016862, OMIM 118450.

Allele frequency attached by ClinVar (database versions not stated): gnomAD exomes below 0.00001 and 0.00001; gnomAD 0.00001; TOPMed 0.00002.
gnomAD v4.1: 22 of 1,614,082 alleles (0.0014%); highest among the groups gnomAD compares: South Asian, 0.0022%; no homozygotes.

Submissions (5):

PreventionGenetics, part of Exact Sciences
Classification: Uncertain significance for JAG1-related condition. Last evaluated: 2026-04-13. Review status: criteria provided, single submitter. Criteria: ACMG Guidelines, 2015. Collection method: clinical testing. Allele origin: germline.
Comment: The JAG1 c.3347G>A variant is predicted to result in the amino acid substitution p.Arg1116Gln. This variant has been reported with uncertain significance in an individual with asymmetric maculopathy who also carried a variant in the ABCA4 gene (Patel et al. 2021. Indian J Ophthalmol Case Reports 1(4):p 699-701, Oct–Dec 2021. DOI: 10.4103/ijo.IJO_3583_20). This variant is reported in 0.0046% of alleles in individuals of European (Finnish) descent in gnomAD. At this time, the clinical significance of this variant is uncertain due to the absence of conclusive functional and genetic evidence.

Ambry Genetics
Classification: Uncertain significance for Cardiovascular phenotype. Last evaluated: 2024-11-05. Review status: criteria provided, single submitter. Criteria: Ambry Variant Classification Scheme 2023. Collection method: clinical testing. Allele origin: germline.
Comment: The p.R1116Q variant (also known as c.3347G>A), located in coding exon 26 of the JAG1 gene, results from a G to A substitution at nucleotide position 3347. The arginine at codon 1116 is replaced by glutamine, an amino acid with highly similar properties. This amino acid position is conserved. In addition, the in silico prediction for this alteration is inconclusive. Since supporting evidence is limited at this time, the clinical significance of this alteration remains unclear.

Labcorp Genetics (formerly Invitae), Labcorp
Classification: Likely benign for Alagille syndrome due to a JAG1 point mutation. Last evaluated: 2024-09-14. Review status: criteria provided, single submitter. Criteria: Invitae Variant Classification Sherloc (09022015). Collection method: clinical testing. Allele origin: germline.

Blueprint Genetics
Classification: Uncertain significance. Last evaluated: 2022-06-01. Review status: criteria provided, single submitter. Criteria: ACMG Guidelines, 2015. Collection method: clinical testing. Allele origin: germline.

Eurofins Ntd Llc (ga)
Classification: Uncertain significance. Last evaluated: 2017-05-02. Review status: criteria provided, single submitter. Criteria: EGL Classification Definitions 2015. Collection method: clinical testing. Allele origin: germline. Observed: 1 variant allele, 1 heterozygote.